The following is an entry in ClinVar:

NM_015599.3(PGM3):c.581T>C (p.Leu194Pro)

Gene: PGM3 (phosphoglucomutase 3; minus strand). Cytogenetic location: 6q14.1.
Variant type: single nucleotide variant.
Coding change: c.581T>C on transcript NM_015599.3 (MANE Select); coding-DNA position 581, T replaced by C.
Protein change: p.Leu194Pro; replaces leucine 194 with proline.
Molecular consequence: missense variant. On other transcripts: non-coding transcript variant (1).
Genome position (GRCh38, 1-based): chr6:83,182,855, A>G on the plus strand (T>C on the coding strand, the complement: PGM3 is on the minus strand). VCF-style: chr6-83182855-A-G. GRCh37 (hg19) VCF-style: chr6-83892574-A-G.
Other names: c.665T>C, p.Leu222Pro (NM_001199917.2, NM_001367287.1); c.338T>C, p.Leu113Pro (NM_001199918.2); c.581T>C, p.Leu194Pro (NM_001199919.2, NM_001367286.1); short protein forms L113P, L194P, L222P.
Identifiers: ClinVar variation 1500423 (VCV001500423.8), dbSNP rs2128498468, ClinGen allele CA364882492.
Genomic context (GRCh38, chr6:83,182,855, plus strand): 5'-GTTACTTTATTCATTTGTTTAACTTTAACCATGTTCAATAAACTTTTCACCTGTTTGGTG[A>G]GTTCCACAAAAGCCTTAGAGAGTTTCTGGTAGTAACCTTCTATAGTTGCCTTTCCATATC-3'
Protein context (NP_056414.1, residues 184-204): YQKLSKAFVE[Leu194Pro]TKQASCSGDE

ClinVar aggregate classification (germline): Uncertain significance (1 of 4 stars; one submission).

Conditions:
Immunodeficiency 23 (IMD23). Also called: IMMUNODEFICIENCY WITH HYPER IgE AND COGNITIVE IMPAIRMENT; IMMUNODEFICIENCY-VASCULITIS-MYOCLONUS SYNDROME. Identifiers: Orphanet 443811, MedGen C4014371, MONDO:0014353, OMIM 615816.

gnomAD v4.1: 2 of 1,613,772 alleles (0.00012%); highest among the groups gnomAD compares: Non-Finnish European, 0.00017%; no homozygotes.

Submission:

Labcorp Genetics (formerly Invitae), Labcorp
Classification: Uncertain significance for Immunodeficiency 23. Last evaluated: 2020-11-18. Review status: criteria provided, single submitter. Criteria: Invitae Variant Classification Sherloc (09022015). Collection method: clinical testing. Allele origin: germline.
Comment: This variant has not been reported in the literature in individuals with PGM3-related conditions. This variant is not present in population databases (ExAC no frequency). This sequence change replaces leucine with proline at codon 222 of the PGM3 protein (p.Leu222Pro). The leucine residue is highly conserved and there is a moderate physicochemical difference between leucine and proline. Algorithms developed to predict the effect of missense changes on protein structure and function (SIFT, PolyPhen-2, Align-GVGD) all suggest that this variant is likely to be disruptive, but these predictions have not been confirmed by published functional studies and their clinical significance is uncertain. In summary, the available evidence is currently insufficient to determine the role of this variant in disease. Therefore, it has been classified as a Variant of Uncertain Significance.